The following is an entry in ClinVar:

Conditions:
Long QT syndrome 5 (LQT5). Identifiers: Orphanet 101016, Orphanet 768, MedGen C1867904, MONDO:0013372, OMIM 613695.

Submission:

Roden Lab, Vanderbilt University Medical Center
No classification provided (evidence only). Condition: Long QT syndrome 5. Review status: no classification provided. Collection method: in vitro. Allele origin: not applicable. Functional consequence: Effect on ion channel function.
ClinVar note: "not provided" was previously submitted as the classification for the variant. However, the classification appeared to be based only on an observation of functional data so it was converted to no classification on 2025-07-30.

NM_000219.6(KCNE1):c.113G>C (p.Ser38Thr)

Gene: KCNE1 (potassium voltage-gated channel subfamily E regulatory subunit 1; minus strand). Cytogenetic location: 21q22.12.
Variant type: single nucleotide variant.
Coding change: c.113G>C on transcript NM_000219.6 (MANE Select); coding-DNA position 113, G replaced by C.
Protein change: p.Ser38Thr; replaces serine 38 with threonine.
Molecular consequence: missense variant.
Genome position (GRCh38, 1-based): chr21:34,449,522, C>G on the plus strand (G>C on the coding strand, the complement: KCNE1 is on the minus strand). VCF-style: chr21-34449522-C-G. GRCh37 (hg19) VCF-style: chr21-35821820-C-G.
Other names: c.113G>C, p.Ser38Thr (NM_001127668.4, NM_001127669.4, NM_001127670.4 and 4 more transcripts); short protein forms S38T.
Identifiers: ClinVar variation 3374077 (VCV003374077.2).